The following is an entry in ClinVar:

ClinVar aggregate classification (germline): Uncertain significance (1 of 4 stars; one submission).

Conditions:
Dilated cardiomyopathy 1KK (CMD1KK). Identifiers: Orphanet 154, Orphanet 75249, MedGen C3714995, MONDO:0014100, OMIM 615248.

Allele frequency attached by ClinVar (database versions not stated): gnomAD exomes below 0.00001.

Submission:

Labcorp Genetics (formerly Invitae), Labcorp
Classification: Uncertain significance for Dilated cardiomyopathy 1KK. Last evaluated: 2018-10-08. Review status: criteria provided, single submitter. Criteria: Invitae Variant Classification Sherloc (09022015). Collection method: clinical testing. Allele origin: germline.
Comment: In summary, the available evidence is currently insufficient to determine the role of this variant in disease. Therefore, it has been classified as a Variant of Uncertain Significance. Algorithms developed to predict the effect of missense changes on protein structure and function (SIFT, PolyPhen-2, Align-GVGD) all suggest that this variant is likely to be tolerated, but these predictions have not been confirmed by published functional studies and their clinical significance is uncertain. This variant has not been reported in the literature in individuals with MYPN-related disease. This variant is not present in population databases (ExAC no frequency). This sequence change replaces methionine with valine at codon 692 of the MYPN protein (p.Met692Val). The methionine residue is moderately conserved and there is a small physicochemical difference between methionine and valine.

NM_032578.4(MYPN):c.2074A>G (p.Met692Val)

Gene: MYPN (myopalladin; plus strand). Cytogenetic location: 10q21.3.
Variant type: single nucleotide variant.
Coding change: c.2074A>G on transcript NM_032578.4 (MANE Select); coding-DNA position 2074, A replaced by G.
Protein change: p.Met692Val; replaces methionine 692 with valine.
Molecular consequence: missense variant. On other transcripts: non-coding transcript variant (2).
Genome position (GRCh38, 1-based): chr10:68,174,166, A>G. VCF-style: chr10-68174166-A-G. GRCh37 (hg19) VCF-style: chr10-69933923-A-G.
Other names: c.2074A>G, p.Met692Val (NM_001256267.2); c.1192A>G, p.Met398Val (NM_001256268.2); short protein forms M398V, M692V.
Identifiers: ClinVar variation 653687 (VCV000653687.6), dbSNP rs1589587340, ClinGen allele CA376844295.